The following is an entry in ClinVar:

ClinVar aggregate classification (germline): Conflicting classifications of pathogenicity. Review status: criteria provided, conflicting classifications (1 of 4 stars). 2 submissions from 2 submitters: Uncertain significance (1); Likely benign (1). Last evaluated 2025-06-09.

Conditions:
Familial sleep-related hypermotor epilepsy. Also called: Autosomal Dominant Sleep-Related Hypermotor (Hyperkinetic) Epilepsy. Identifiers: Orphanet 98784, MedGen C3696898, MONDO:0000030.

Allele frequency attached by ClinVar (database versions not stated): gnomAD exomes below 0.00001.
gnomAD v4.1: 2 of 1,612,904 alleles (0.00012%); highest among the groups gnomAD compares: African/African-American, 0.0013%; no homozygotes.

Submissions (2):

Labcorp Genetics (formerly Invitae), Labcorp
Classification: Likely benign. Last evaluated: 2025-06-09. Review status: criteria provided, single submitter. Criteria: Invitae Variant Classification Sherloc (09022015). Collection method: clinical testing. Allele origin: germline.

GeneDx
Classification: Uncertain significance. Last evaluated: 2024-08-07. Review status: criteria provided, single submitter. Criteria: GeneDx Variant Classification Process June 2021. Collection method: clinical testing. Allele origin: germline. Affected: yes.
Comment: Not observed at significant frequency in large population cohorts (gnomAD); In silico analysis indicates that this missense variant does not alter protein structure/function; Has not been previously published as pathogenic or benign to our knowledge

NM_000742.4(CHRNA2):c.1364T>C (p.Leu455Pro)

Gene: CHRNA2 (cholinergic receptor nicotinic alpha 2 subunit; minus strand). Cytogenetic location: 8p21.2.
Variant type: single nucleotide variant.
Coding change: c.1364T>C on transcript NM_000742.4 (MANE Select); coding-DNA position 1364, T replaced by C.
Protein change: p.Leu455Pro; replaces leucine 455 with proline.
Molecular consequence: missense variant.
Genome position (GRCh38, 1-based): chr8:27,463,079, A>G on the plus strand (T>C on the coding strand, the complement: CHRNA2 is on the minus strand). VCF-style: chr8-27463079-A-G. GRCh37 (hg19) VCF-style: chr8-27320596-A-G.
Other names: c.1319T>C, p.Leu440Pro (NM_001282455.2); c.887T>C, p.Leu296Pro (NM_001347705.2, NM_001347706.2); c.770T>C, p.Leu257Pro (NM_001347707.2, NM_001347708.2); c.1364T>C (NM_000742.3); short protein forms L257P, L296P, L440P, L455P.
Identifiers: ClinVar variation 1018570 (VCV001018570.6), dbSNP rs1812553075, ClinGen allele CA370808105.